The following is an entry in ClinVar:

ClinVar aggregate classification (germline): Conflicting classifications of pathogenicity. Review status: criteria provided, conflicting classifications (1 of 4 stars). 6 submissions from 6 submitters: Uncertain significance (1); Likely benign (5). Last evaluated 2026-03-12.

Conditions:
DES-related disorder. Also called: DES-related condition.
Cardiovascular phenotype. Identifiers: MedGen CN230736.
Desmin-related myofibrillar myopathy (MFM1). Also called: MYOFIBRILLAR MYOPATHY WITH ARRHYTHMOGENIC RIGHT VENTRICULAR CARDIOMYOPATHY; DESMIN-RELATED MYOPATHY WITH ARRHYTHMOGENIC RIGHT VENTRICULAR CARDIOMYOPATHY; Myofibrillar myopathy 1; Desminopathy; Desmin related myopathy (former name); Desmin storage myopathy (former name). Identifiers: Orphanet 363543, Orphanet 98909, MedGen C1832370, MONDO:0011076, OMIM 601419.

Allele frequency attached by ClinVar (database versions not stated): TOPMed 0.00001; ExAC 0.00012.

Submissions (6):

PreventionGenetics, part of Exact Sciences
Classification: Likely benign for DES-related condition. Last evaluated: 2026-03-12. Review status: criteria provided, single submitter. Criteria: ACMG Guidelines, 2015. Collection method: clinical testing. Allele origin: germline.
Comment: This variant is classified as likely benign based on ACMG/AMP sequence variant interpretation guidelines (Richards et al. 2015 PMID: 25741868, with internal and published modifications).

Labcorp Genetics (formerly Invitae), Labcorp
Classification: Likely benign for Desmin-related myofibrillar myopathy. Last evaluated: 2026-01-19. Review status: criteria provided, single submitter. Criteria: Invitae Variant Classification Sherloc (09022015). Collection method: clinical testing. Allele origin: germline.

Ambry Genetics
Classification: Likely benign for Cardiovascular phenotype. Last evaluated: 2022-06-09. Review status: criteria provided, single submitter. Criteria: Ambry Variant Classification Scheme 2023. Collection method: clinical testing. Allele origin: germline.

GeneDx
Classification: Likely benign. Last evaluated: 2018-04-30. Review status: criteria provided, single submitter. Criteria: GeneDx Variant Classification Process June 2021. Collection method: clinical testing. Allele origin: germline. Affected: yes.

Eurofins Ntd Llc (ga)
Classification: Uncertain significance. Last evaluated: 2016-02-12. Review status: criteria provided, single submitter. Criteria: EGL Classification Definitions 2015. Collection method: clinical testing. Allele origin: germline. Observed: 1 variant allele, 1 heterozygote.

Laboratory for Molecular Medicine, Mass General Brigham Personalized Medicine
Classification: Likely benign. Last evaluated: 2011-12-01. Review status: criteria provided, single submitter. Criteria: LMM Criteria. Collection method: clinical testing. Allele origin: germline. Observed: 1 variant allele.
Comment: Glu468Glu in exon 9 of DES: This variant is not expected to have clinical signif icance because it does not alter an amino acid residue and is not located within the splice consensus sequence. Glu468Glu in exon 9 of DES (allele frequency = n/a)

NM_001927.4(DES):c.1404A>G (p.Glu468=)

Gene: DES (desmin; plus strand). Cytogenetic location: 2q35.
Variant type: single nucleotide variant.
Coding change: c.1404A>G on transcript NM_001927.4 (MANE Select); coding-DNA position 1404, A replaced by G.
Protein change: p.Glu468=; no amino-acid change (glutamic acid 468 retained).
Molecular consequence: synonymous variant.
Genome position (GRCh38, 1-based): chr2:219,425,981, A>G. VCF-style: chr2-219425981-A-G. GRCh37 (hg19) VCF-style: chr2-220290703-A-G.
Identifiers: ClinVar variation 44253 (VCV000044253.22), dbSNP rs397516691, ClinGen allele CA133829.